The following is an entry in ClinVar:

NM_018089.3(ANKZF1):c.898C>G (p.Arg300Gly)

Gene: ANKZF1 (ankyrin repeat and zinc finger peptidyl tRNA hydrolase 1; plus strand). Cytogenetic location: 2q35.
Variant type: single nucleotide variant.
Coding change: c.898C>G on transcript NM_018089.3 (MANE Select); coding-DNA position 898, C replaced by G.
Protein change: p.Arg300Gly; replaces arginine 300 with glycine.
Molecular consequence: missense variant.
Genome position (GRCh38, 1-based): chr2:219,233,793, C>G. VCF-style: chr2-219233793-C-G. GRCh37 (hg19) VCF-style: chr2-220098515-C-G.
Other names: c.898C>G, p.Arg300Gly (NM_001042410.2); c.268C>G, p.Arg90Gly (NM_001282792.2); c.898C>G (NM_018089.2); short protein forms R90G, R300G.
Identifiers: ClinVar variation 2176877 (VCV002176877.5), dbSNP rs138302651, ClinGen allele CA2120903.
Genomic context (GRCh38, chr2:219,233,793, plus strand): 5'-GCAGGGCCAAGCTGGGCTAAGGCGCTGGAGGAGGCTGGTACAATACTGTTGCGTGCTCCC[C>G]GCTCTGGCCGGTCTTTGTTCTTTGGAGGCAAGGGAGCACCCCTGCAAAGGGGGGATCCCC-3'
Protein context (NP_060559.2, residues 290-310): EAGTILLRAP[Arg300Gly]SGRSLFFGGK

ClinVar aggregate classification (germline): Uncertain significance. Review status: criteria provided, multiple submitters, no conflicts (2 of 4 stars). 2 submissions from 2 submitters: Uncertain significance (2). Last evaluated 2025-11-26.

Allele frequency attached by ClinVar (database versions not stated): ESP Exome Variant Server 0.00025; 1000 Genomes Project 0.00040; 1000 Genomes Project 30x 0.00047.
gnomAD v4.1: 62 of 1,614,136 alleles (0.0038%); highest among the groups gnomAD compares: African/African-American, 0.08%; no homozygotes.

Submissions (2):

Labcorp Genetics (formerly Invitae), Labcorp
Classification: Uncertain significance. Last evaluated: 2025-11-26. Review status: criteria provided, single submitter. Criteria: Invitae Variant Classification Sherloc (09022015). Collection method: clinical testing. Allele origin: germline.
Comment: This sequence change replaces arginine, which is basic and polar, with glycine, which is neutral and non-polar, at codon 300 of the ANKZF1 protein (p.Arg300Gly). This variant is present in population databases (rs138302651, gnomAD 0.05%). This variant has not been reported in the literature in individuals affected with ANKZF1-related conditions. ClinVar contains an entry for this variant (Variation ID: 2176877). An algorithm developed to predict the effect of missense changes on protein structure and function (PolyPhen-2) suggests that this variant is likely to be tolerated. In summary, the available evidence is currently insufficient to determine the role of this variant in disease. Therefore, it has been classified as a Variant of Uncertain Significance.

Ambry Genetics
Classification: Uncertain significance. Last evaluated: 2023-12-28. Review status: criteria provided, single submitter. Criteria: Ambry Variant Classification Scheme 2023. Collection method: clinical testing. Allele origin: germline.